The following is an entry in ClinVar:

NM_003072.5(SMARCA4):c.4817A>G (p.Gln1606Arg)

Gene: SMARCA4 (SWI/SNF related BAF chromatin remodeling complex subunit ATPase 4; plus strand). Cytogenetic location: 19p13.2.
Variant type: single nucleotide variant.
Coding change: c.4817A>G on transcript NM_003072.5 (MANE Select); coding-DNA position 4817, A replaced by G.
Protein change: p.Gln1606Arg; replaces glutamine 1606 with arginine.
Molecular consequence: missense variant. On other transcripts: non-coding transcript variant (1).
Genome position (GRCh38, 1-based): chr19:11,060,093, A>G. VCF-style: chr19-11060093-A-G. GRCh37 (hg19) VCF-style: chr19-11170769-A-G.
Other names: c.4913A>G (NM_001128849.2); c.4817A>G, p.Gln1606Arg (NM_001128844.3); c.4727A>G, p.Gln1576Arg (NM_001128845.2); c.4724A>G, p.Gln1575Arg (NM_001128846.2); c.4718A>G, p.Gln1573Arg (NM_001128847.4, NM_001374457.1); c.4715A>G, p.Gln1572Arg (NM_001128848.2); c.4913A>G, p.Gln1638Arg (NM_001128849.3, NM_001387283.1); short protein forms Q1638R, Q1573R, Q1575R, Q1572R, Q1576R, Q1606R.
Identifiers: ClinVar variation 238491 (VCV000238491.26), dbSNP rs878854231, ClinGen allele CA10583762.

ClinVar aggregate classification (germline): Conflicting classifications of pathogenicity. Review status: criteria provided, conflicting classifications (1 of 4 stars). 10 submissions from 9 submitters: Uncertain significance (9); Likely benign (1). Last evaluated 2026-03-11.

Conditions:
Otosclerosis 12. Identifiers: MedGen C5935610, MONDO:0968980, OMIM 620792.
Rhabdoid tumor predisposition syndrome 2 (RTPS2). Identifiers: Orphanet 231108, Orphanet 69077, MedGen C2750074, MONDO:0013224, OMIM 613325.
Intellectual disability, autosomal dominant 16 (CSS4). Also called: COFFIN-SIRIS SYNDROME 4. Identifiers: Orphanet 1465, MedGen C3553249, MONDO:0013821, OMIM 614609.
SMARCA4-related disorder. Also called: SMARCA4-related condition.
Hereditary cancer-predisposing syndrome. Also called: Neoplastic Syndromes, Hereditary; Hereditary neoplastic syndrome; Hereditary Cancer Syndrome; Tumor predisposition. Identifiers: Orphanet 140162, MedGen C0027672, MeSH D009386, MONDO:0015356.

Allele frequency attached by ClinVar (database versions not stated): gnomAD exomes 0.00001 and 0.00003; TOPMed 0.00001.
gnomAD v4.1: 37 of 1,553,018 alleles (0.0024%); highest among the groups gnomAD compares: Non-Finnish European, 0.0031%; no homozygotes.

Submissions (10):

PreventionGenetics, part of Exact Sciences
Classification: Uncertain significance for SMARCA4-related condition. Last evaluated: 2026-03-11. Review status: criteria provided, single submitter. Criteria: ACMG Guidelines, 2015. Collection method: clinical testing. Allele origin: germline.
Comment: The SMARCA4 c.4913A>G variant is predicted to result in the amino acid substitution p.Gln1638Arg. This variant has been reported in neurodevelopmental disorder (as p.Q1606R, Table S1, Valencia et al. 2023. PubMed ID: 37500730). This variant is reported in 2 of ~156,000 alleles in gnomAD. It has conflicting interpretations of likely benign and uncertain significance in ClinVar. At this time, the clinical significance of this variant is uncertain due to the absence of conclusive functional and genetic evidence.

Labcorp Genetics (formerly Invitae), Labcorp
Classification: Uncertain significance for Rhabdoid tumor predisposition syndrome 2. Last evaluated: 2026-02-03. Review status: criteria provided, single submitter. Criteria: Invitae Variant Classification Sherloc (09022015). Collection method: clinical testing. Allele origin: germline.
Comment: This sequence change replaces glutamine, which is neutral and polar, with arginine, which is basic and polar, at codon 1638 of the SMARCA4 protein (p.Gln1638Arg). The frequency data for this variant in the population databases is considered unreliable, as metrics indicate poor data quality at this position in the gnomAD database. This missense change has been observed in individual(s) with clinical features of SMARCA4-related conditions (PMID: 37500730). ClinVar contains an entry for this variant (Variation ID: 238491). An algorithm developed to predict the effect of missense changes on protein structure and function (PolyPhen-2) suggests that this variant is likely to be tolerated. In summary, the available evidence is currently insufficient to determine the role of this variant in disease. Therefore, it has been classified as a Variant of Uncertain Significance.

Quest Diagnostics Nichols Institute San Juan Capistrano
Classification: Uncertain significance. Last evaluated: 2025-06-23. Review status: criteria provided, single submitter. Criteria: Quest Diagnostics criteria. Collection method: clinical testing. Allele origin: unknown.
Comment: The SMARCA4 c.4913A>G (p.Gln1638Arg) variant has not been reported in individuals with SMARCA4-related conditions in the published literature. The frequency of this variant in the general population (Genome Aggregation Database) is uninformative in the assessment of its pathogenicity. Analysis of this variant using bioinformatics tools for the prediction of the effect of amino acid changes on protein structure and function yielded predictions that this variant is benign. Based on the available information, we are unable to determine the clinical significance of this variant.

Fulgent Genetics
Classification: Uncertain significance for Rhabdoid tumor predisposition syndrome 2; Intellectual disability, autosomal dominant 16; Otosclerosis 12. Last evaluated: 2024-05-15. Review status: criteria provided, single submitter. Criteria: ACMG Guidelines, 2015. Collection method: clinical testing. Allele origin: germline.

Baylor Genetics
Classification: Uncertain significance for Rhabdoid tumor predisposition syndrome 2. Last evaluated: 2024-02-09. Review status: criteria provided, single submitter. Criteria: ACMG Guidelines, 2015. Collection method: clinical testing. Allele origin: unknown.

GeneDx
Classification: Uncertain significance. Last evaluated: 2023-12-22. Review status: criteria provided, single submitter. Criteria: GeneDx Variant Classification Process June 2021. Collection method: clinical testing. Allele origin: germline. Affected: yes.
Comment: In silico analysis supports that this missense variant does not alter protein structure/function; Has not been previously published as pathogenic or benign to our knowledge

St. Jude Molecular Pathology, St. Jude Children's Research Hospital
Classification: Uncertain significance for Rhabdoid tumor predisposition syndrome 2. Last evaluated: 2023-11-28. Review status: criteria provided, single submitter. Criteria: St. Jude Assertion Criteria 2020. Collection method: clinical testing. Allele origin: germline.
Comment: The SMARCA4 c.4913A>G (p.Gln1638Arg) missense change has a maximum subpopulation frequency of 0.011% in gnomAD v2.1.1. The in silico tool REVEL predicts a benign effect on protein function, but this prediction has not been confirmed by functional studies. This variant has not been reported in individuals with rhabdoid tumor predisposition syndrome. In summary, the evidence currently available is insufficient to determine the clinical significance of this variant. It has therefore been classified as of uncertain significance.

Genome-Nilou Lab
Classification: Uncertain significance for Intellectual disability, autosomal dominant 16. Last evaluated: 2021-07-15. Review status: criteria provided, single submitter. Criteria: ACMG Guidelines, 2015. Collection method: clinical testing. Allele origin: germline. Affected: no.

Ambry Genetics
Classification: Likely benign for Hereditary cancer-predisposing syndrome. Last evaluated: 2021-03-24. Review status: criteria provided, single submitter. Criteria: Ambry Variant Classification Scheme 2023. Collection method: clinical testing. Allele origin: germline.

Fulgent Genetics
Classification: Uncertain significance for Rhabdoid tumor predisposition syndrome 2; Intellectual disability, autosomal dominant 16. Last evaluated: 2018-10-31. Review status: criteria provided, single submitter. Criteria: ACMG Guidelines, 2015. Collection method: clinical testing. Allele origin: unknown.

Literature cited by the submitters: PubMed 37500730 (cited by Labcorp Genetics (formerly Invitae), Labcorp).